The following is an entry in ClinVar:

NM_170606.3(KMT2C):c.8880G>A (p.Pro2960=)

Gene: KMT2C (lysine methyltransferase 2C; minus strand). Cytogenetic location: 7q36.1.
Variant type: single nucleotide variant.
Coding change: c.8880G>A on transcript NM_170606.3 (MANE Select); coding-DNA position 8880, G replaced by A.
Protein change: p.Pro2960=; no amino-acid change (proline 2960 retained).
Molecular consequence: synonymous variant.
Genome position (GRCh38, 1-based): chr7:152,176,573, C>T on the plus strand (G>A on the coding strand, the complement: KMT2C is on the minus strand). VCF-style: chr7-152176573-C-T. GRCh37 (hg19) VCF-style: chr7-151873658-C-T.
Other names: c.8880G>A (NM_170606.2).
Identifiers: ClinVar variation 1560676 (VCV001560676.33), dbSNP rs138942112, ClinGen allele CA4579601.

ClinVar aggregate classification (germline): Benign/Likely benign. Review status: criteria provided, multiple submitters, no conflicts (2 of 4 stars). 4 submissions from 4 submitters: Benign (1); Likely benign (2). 1 of the submissions does not count toward it. Last evaluated 2026-07-01.

Conditions:
KMT2C-related disorder. Also called: KMT2C-related condition; KMT2C-related disorders.

Allele frequency attached by ClinVar (database versions not stated): gnomAD 0.00130 and 0.00136; ESP Exome Variant Server 0.00154; 1000 Genomes Project 0.00160; 1000 Genomes Project 30x 0.00172.
gnomAD v4.1: 425 of 1,614,090 alleles (0.026%); highest among the groups gnomAD compares: African/African-American, 0.49%; 2 homozygotes.

Submissions (4):

CeGaT Center for Human Genetics Tuebingen
Classification: Likely benign. Last evaluated: 2026-07-01. Review status: criteria provided, single submitter. Criteria: CeGaT Center For Human Genetics Tuebingen Variant Classification Criteria Version 2. Collection method: clinical testing. Allele origin: germline. Affected: yes. Observed: 2 variant alleles.
Comment: KMT2C: BP4, BP7, BS1

Labcorp Genetics (formerly Invitae), Labcorp
Classification: Benign. Last evaluated: 2026-01-19. Review status: criteria provided, single submitter. Criteria: Invitae Variant Classification Sherloc (09022015). Collection method: clinical testing. Allele origin: germline.

Blueprint Genetics
Classification: Likely benign. Last evaluated: 2024-06-12. Review status: criteria provided, single submitter. Criteria: ACMG Guidelines, 2015. Collection method: clinical testing. Allele origin: germline.

PreventionGenetics, part of Exact Sciences
Classification: Benign for KMT2C-related condition. Last evaluated: 2021-03-09. Review status: no assertion criteria provided. Collection method: clinical testing. Allele origin: germline. Not counted in ClinVar's aggregate classification.
Comment: This variant is classified as benign based on ACMG/AMP sequence variant interpretation guidelines (Richards et al. 2015 PMID: 25741868, with internal and published modifications).